The following is an entry in ClinVar:

NM_006306.4(SMC1A):c.2197-5T>C

Gene: SMC1A (structural maintenance of chromosomes 1A; minus strand). Cytogenetic location: Xp11.22.
Variant type: single nucleotide variant.
Coding change: c.2197-5T>C on transcript NM_006306.4 (MANE Select); 5 bases into the intron before coding-DNA position 2197, T replaced by C.
Molecular consequence: intron variant.
Genome position (GRCh38, 1-based): chrX:53,403,898, A>G on the plus strand (T>C on the coding strand, the complement: SMC1A is on the minus strand). VCF-style: chrX-53403898-A-G. GRCh37 (hg19) VCF-style: chrX-53430830-A-G.
Other names: p.?; c.2131-5T>C (NM_001281463.1).
Identifiers: ClinVar variation 95365 (VCV000095365.42), dbSNP rs2297104, ClinGen allele CA148480.

ClinVar aggregate classification (germline): Benign/Likely benign. Review status: criteria provided, multiple submitters, no conflicts (2 of 4 stars). 12 submissions from 12 submitters: Benign (9); Likely benign (1). 2 of the submissions do not count toward it. Last evaluated 2026-02-03.

Conditions:
Inborn genetic diseases. Identifiers: MedGen C0950123, MeSH D030342.
Congenital muscular hypertrophy-cerebral syndrome (CDLS2). Also called: SMC1A-Related Cornelia de Lange Syndrome; Cornelia de Lange syndrome 2. Identifiers: Orphanet 199, MedGen C1802395, MONDO:0010370, OMIM 300590.

Allele frequency attached by ClinVar (database versions not stated): ESP Exome Variant Server 0.00312; gnomAD exomes 0.00790 and 0.02488; gnomAD 0.00852 and 0.00977; TOPMed 0.01581; ExAC 0.02112; 1000 Genomes Project 0.03073; 1000 Genomes Project 30x 0.03101.
gnomAD v4.1: 9,584 of 1,160,911 alleles (0.83%); highest among the groups gnomAD compares: Admixed American, 9.8%; 344 homozygotes.

Submissions (12):

Labcorp Genetics (formerly Invitae), Labcorp
Classification: Benign for Congenital muscular hypertrophy-cerebral syndrome. Last evaluated: 2026-02-03. Review status: criteria provided, single submitter. Criteria: Invitae Variant Classification Sherloc (09022015). Collection method: clinical testing. Allele origin: germline.

ARUP Laboratories, Molecular Genetics and Genomics, ARUP Laboratories
Classification: Benign. Last evaluated: 2025-07-15. Review status: criteria provided, single submitter. Criteria: ARUP Molecular Germline Variant Investigation Process 2024. Collection method: clinical testing. Allele origin: germline.

Athena Diagnostics
Classification: Benign. Last evaluated: 2024-07-03. Review status: criteria provided, single submitter. Criteria: Athena Diagnostics Criteria. Collection method: clinical testing. Allele origin: unknown.

Mayo Clinic Laboratories, Mayo Clinic
Classification: Benign. Last evaluated: 2019-07-01. Review status: criteria provided, single submitter. Criteria: ACMG Guidelines, 2015. Collection method: clinical testing. Allele origin: germline. Observed: 14 variant alleles.

Ambry Genetics
Classification: Benign for Inborn genetic diseases. Last evaluated: 2015-10-03. Review status: criteria provided, single submitter. Criteria: Ambry Variant Classification Scheme 2023. Collection method: clinical testing. Allele origin: germline.

GeneDx
Classification: Benign. Last evaluated: 2015-04-06. Review status: criteria provided, single submitter. Criteria: GeneDx Variant Classification (06012015). Collection method: clinical testing. Allele origin: germline. Affected: yes.
Comment: This variant is considered likely benign or benign based on one or more of the following criteria: it is a conservative change, it occurs at a poorly conserved position in the protein, it is predicted to be benign by multiple in silico algorithms, and/or has population frequency not consistent with disease.

Eurofins Ntd Llc (ga)
Classification: Benign. Last evaluated: 2013-07-16. Review status: criteria provided, single submitter. Criteria: EGL Classification Definitions 2015. Collection method: clinical testing. Allele origin: germline. Observed: 5 variant alleles, 1 heterozygote, 4 hemizygotes.

Genetic Services Laboratory, University of Chicago
Classification: Benign. Last evaluated: 2013-02-08. Review status: criteria provided, single submitter. Criteria: ACMG Guidelines, 2007. Collection method: clinical testing. Allele origin: germline. Inheritance: X-linked inheritance.

Breakthrough Genomics
Classification: Likely benign. Review status: criteria provided, single submitter. Criteria: ACMG Guidelines, 2015. Collection method: not provided. Allele origin: germline. Inheritance: X-linked inheritance. Affected: yes.

PreventionGenetics, part of Exact Sciences
Classification: Benign. Review status: criteria provided, single submitter. Criteria: ACMG Guidelines, 2015. Collection method: clinical testing. Allele origin: germline.

Genome Diagnostics Laboratory, University Medical Center Utrecht
Classification: Benign. Review status: no assertion criteria provided. Collection method: clinical testing. Allele origin: germline. Affected: yes. Study: VKGL Data-share Consensus. Not counted in ClinVar's aggregate classification.

Laboratory of Diagnostic Genome Analysis, Leiden University Medical Center (LUMC)
Classification: Likely benign. Review status: no assertion criteria provided. Collection method: clinical testing. Allele origin: germline. Affected: yes. Study: VKGL Data-share Consensus. Not counted in ClinVar's aggregate classification.